The following is an entry in ClinVar:

NM_001382273.1(TNK2):c.2083C>T (p.Pro695Ser)

Gene: TNK2 (tyrosine kinase non receptor 2; minus strand). Cytogenetic location: 3q29.
Variant type: single nucleotide variant.
Coding change: c.2083C>T on transcript NM_001382273.1 (MANE Select); coding-DNA position 2083, C replaced by T.
Protein change: p.Pro695Ser; replaces proline 695 with serine.
Molecular consequence: missense variant. On other transcripts: non-coding transcript variant (15).
Genome position (GRCh38, 1-based): chr3:195,868,215, G>A on the plus strand (C>T on the coding strand, the complement: TNK2 is on the minus strand). VCF-style: chr3-195868215-G-A. GRCh37 (hg19) VCF-style: chr3-195595086-G-A.
Other names: c.2155C>T, p.Pro719Ser (NM_001010938.2, NM_001382272.1); c.2134C>T, p.Pro712Ser (NM_001308046.2, NM_001382271.1); c.2083C>T, p.Pro695Ser (NM_001382274.1, NM_001387716.1, NM_001387717.1 and 1 more transcripts); c.2179C>T, p.Pro727Ser (NM_001382275.1, NM_001387707.1); c.2038C>T, p.Pro680Ser (NM_001386164.1, NM_001387709.1, NM_001387710.1 and 8 more transcripts); c.2110C>T, p.Pro704Ser (NM_001387708.1, NM_001387715.1); short protein forms P695S, P704S, P680S, P712S, P719S, P727S.
Identifiers: ClinVar variation 4774883 (VCV004774883.1).
Genomic context (GRCh38, chr3:195,868,215, plus strand): 5'-AGCTGGGCGGCTTGCCCCCACCCTGGGGCGGGAGGAACAGGTTGTCCTCCAGGGGAGGGG[G>A]CGGCCGCGCCTGCTCAGGCACAAAGGCGTAGTTGGTCTGGCCCTGGCTGGGCCCGGCAGG-3'
Protein context (NP_001369202.1, residues 685-705): YAFVPEQARP[Pro695Ser]PPLEDNLFLP

ClinVar aggregate classification (germline): Uncertain significance (1 of 4 stars; one submission).

gnomAD v4.1: 41 of 1,607,200 alleles (0.0026%); highest among the groups gnomAD compares: Admixed American, 0.05%; no homozygotes.

Submission:

Labcorp Genetics (formerly Invitae), Labcorp
Classification: Uncertain significance. Last evaluated: 2025-03-27. Review status: criteria provided, single submitter. Criteria: Invitae Variant Classification Sherloc (09022015). Collection method: clinical testing. Allele origin: germline.
Comment: This sequence change replaces proline, which is neutral and non-polar, with serine, which is neutral and polar, at codon 758 of the TNK2 protein (p.Pro758Ser). This variant is present in population databases (rs781157859, gnomAD 0.07%), and has an allele count higher than expected for a pathogenic variant. This variant has not been reported in the literature in individuals affected with TNK2-related conditions. An algorithm developed to predict the effect of missense changes on protein structure and function (PolyPhen-2) suggests that this variant is likely to be tolerated. In summary, the available evidence is currently insufficient to determine the role of this variant in disease. Therefore, it has been classified as a Variant of Uncertain Significance.